The following is an entry in ClinVar:

NM_033026.6(PCLO):c.1379C>A (p.Ser460Tyr)

Gene: PCLO (piccolo presynaptic cytomatrix protein; minus strand). Cytogenetic location: 7q21.11.
Variant type: single nucleotide variant.
Coding change: c.1379C>A on transcript NM_033026.6 (MANE Select); coding-DNA position 1379, C replaced by A.
Protein change: p.Ser460Tyr; replaces serine 460 with tyrosine.
Molecular consequence: missense variant.
Genome position (GRCh38, 1-based): chr7:83,155,262, G>T on the plus strand (C>A on the coding strand, the complement: PCLO is on the minus strand). VCF-style: chr7-83155262-G-T. GRCh37 (hg19) VCF-style: chr7-82784578-G-T.
Other names: c.1379C>A, p.Ser460Tyr (NM_014510.3); short protein forms S460Y.
Identifiers: ClinVar variation 4692577 (VCV004692577.1).
Genomic context (GRCh38, chr7:83,155,262, plus strand): 5'-GGGGGCTTTGCTGGGCCAGGCAGTTGTGAAGGAGGCTTTGTTGGGCCAGTCTGCTGGGCA[G>T]AAGTCTTTCCGGGTCCTGCCTGTTGAGCTGGAATCTTTCCTGGCCCAGGCTGCTGAACTG-3'
Protein context (NP_149015.2, residues 450-470): PAQQAGPGKT[Ser460Tyr]AQQTGPTKPP

ClinVar aggregate classification (germline): Uncertain significance (1 of 4 stars; one submission).

gnomAD v4.1: 6 of 1,613,792 alleles (0.00037%); highest among the groups gnomAD compares: Admixed American, 0.01%; no homozygotes.

Submission:

Labcorp Genetics (formerly Invitae), Labcorp
Classification: Uncertain significance. Last evaluated: 2025-11-24. Review status: criteria provided, single submitter. Criteria: Invitae Variant Classification Sherloc (09022015). Collection method: clinical testing. Allele origin: germline.
Comment: This sequence change replaces serine, which is neutral and polar, with tyrosine, which is neutral and polar, at codon 460 of the PCLO protein (p.Ser460Tyr). This variant is present in population databases (no rsID available, gnomAD 0.01%). This variant has not been reported in the literature in individuals affected with PCLO-related conditions. An algorithm developed to predict the effect of missense changes on protein structure and function (PolyPhen-2) suggests that this variant is likely to be disruptive. In summary, the available evidence is currently insufficient to determine the role of this variant in disease. Therefore, it has been classified as a Variant of Uncertain Significance.